The following is an entry in ClinVar:

ClinVar aggregate classification (germline): Pathogenic. Review status: criteria provided, multiple submitters, no conflicts (2 of 4 stars). 8 submissions from 8 submitters: Pathogenic (5). 3 of the submissions do not count toward it. Last evaluated 2025-09-17.

Conditions:
Charcot-Marie-Tooth disease. Also called: Charcot-Marie-Tooth Neuropathy; Charcot-Marie-Tooth Hereditary Neuropathy. Identifiers: Orphanet 166, MedGen C0007959, MONDO:0015626.
Charcot-Marie-Tooth disease type 4. Also called: Charcot-Marie-Tooth, Type 4; Charcot-Marie-Tooth disease, type IV. Identifiers: Orphanet 64749, MedGen C4082197, MONDO:0018995.
Amyotrophic lateral sclerosis type 11 (ALS11). Identifiers: Orphanet 803, MedGen C2675491, MONDO:0012945, OMIM 612577.
Charcot-Marie-Tooth disease type 4J (CMT4J). Also called: Charcot-Marie-Tooth Neuropathy Type 4J; CHARCOT-MARIE-TOOTH DISEASE, AUTOSOMAL RECESSIVE, TYPE 4J; CHARCOT-MARIE-TOOTH DISEASE, DEMYELINATING, TYPE 4J. Identifiers: Orphanet 139515, MedGen C1970011, MONDO:0012640, OMIM 611228.

Submissions (8):

Labcorp Genetics (formerly Invitae), Labcorp
Classification: Pathogenic for Charcot-Marie-Tooth disease type 4. Last evaluated: 2025-09-17. Review status: criteria provided, single submitter. Criteria: Invitae Variant Classification Sherloc (09022015). Collection method: clinical testing. Allele origin: germline.
Comment: This sequence change creates a premature translational stop signal (p.Phe254Serfs*8) in the FIG4 gene. It is expected to result in an absent or disrupted protein product. Loss-of-function variants in FIG4 are known to be pathogenic (PMID: 23623387, 30740813). This variant is present in population databases (rs764717219, gnomAD 0.007%). This premature translational stop signal has been observed in individuals with autosomal recessive Charcot-Marie-Tooth disease (PMID: 17572665, 21705420). ClinVar contains an entry for this variant (Variation ID: 254668). For these reasons, this variant has been classified as Pathogenic.

GeneDx
Classification: Pathogenic. Last evaluated: 2024-08-21. Review status: criteria provided, single submitter. Criteria: GeneDx Variant Classification Process June 2021. Collection method: clinical testing. Allele origin: germline. Affected: yes.
Comment: Frameshift variant predicted to result in protein truncation or nonsense mediated decay in a gene for which loss of function is a known mechanism of disease; Not observed at significant frequency in large population cohorts (gnomAD); This variant is associated with the following publications: (PMID: 21705420, 31589614, 32376792, 17572665, 28051077)

Athena Diagnostics
Classification: Pathogenic. Last evaluated: 2017-02-14. Review status: criteria provided, single submitter. Criteria: Athena Diagnostics Criteria. Collection method: clinical testing. Allele origin: germline.

CeGaT Center for Human Genetics Tuebingen
Classification: Pathogenic. Last evaluated: 2016-11-01. Review status: criteria provided, single submitter. Criteria: CeGaT Center For Human Genetics Tuebingen Variant Classification Criteria Version 2. Collection method: clinical testing. Allele origin: germline. Affected: yes. Observed: 1 variant allele.

Weber Lab, Hannover Medical School
Classification: Pathogenic for Amyotrophic lateral sclerosis type 11. Last evaluated: 2016-09-13. Review status: criteria provided, single submitter. Criteria: "ACMG Guidelines, 2015". Collection method: research. Allele origin: germline. Affected: yes.

Inherited Neuropathy Consortium Ii, University Of Miami
Classification: Uncertain significance for Charcot-Marie-Tooth disease type 4J. Last evaluated: 2016-01-06. Review status: no assertion criteria provided. Collection method: literature only. Allele origin: germline. Affected: yes. Not counted in ClinVar's aggregate classification.

OMIM
Classification: Pathogenic for CHARCOT-MARIE-TOOTH DISEASE, DEMYELINATING, TYPE 4J. Last evaluated: 2007-07-05. Review status: no assertion criteria provided. Collection method: literature only. Allele origin: germline. Not counted in ClinVar's aggregate classification.

Inherited Neuropathy Consortium
Classification: Uncertain significance for Charcot-Marie-Tooth disease. Review status: no assertion criteria provided. Collection method: literature only. Allele origin: germline. Affected: yes. Not counted in ClinVar's aggregate classification.

Literature cited by the submitters: PubMed 23623387 (cited by Labcorp Genetics (formerly Invitae), Labcorp); PubMed 30740813 (cited by Labcorp Genetics (formerly Invitae), Labcorp); PubMed 17572665 (cited by 5 submitters); PubMed 21705420 (cited by Labcorp Genetics (formerly Invitae), Labcorp and Athena Diagnostics); PubMed 28051077 (cited by Athena Diagnostics and Weber Lab, Hannover Medical School).

NM_014845.6(FIG4):c.759del (p.Phe254fs)

Gene: FIG4 (FIG4 phosphoinositide 5-phosphatase; plus strand). Cytogenetic location: 6q21.
Variant type: Deletion.
Coding change: c.759del on transcript NM_014845.6 (MANE Select); coding-DNA position 759, one base deleted (G; older notation c.759delG).
Protein change: p.Phe254fs; shifts the reading frame from phenylalanine 254.
Molecular consequence: frameshift variant.
Genome position (GRCh38, 1-based): chr6:109,738,437, G deleted; the last of 3 consecutive G bases (chr6:109,738,435-109,738,437); deleting any one gives the same sequence. VCF-style (leftmost placement, unchanged base first): chr6-109738434-TG-T. GRCh37 (hg19) VCF-style: chr6-110059637-TG-T.
Other names: c.759delG (NM_014845.5).
Identifiers: ClinVar variation 254668 (VCV000254668.57), dbSNP rs764717219, ClinGen allele CA3955889.